The following is an entry in ClinVar:

NM_021072.4(HCN1):c.1485del (p.Gln497fs)

Gene: HCN1 (hyperpolarization activated cyclic nucleotide gated potassium channel 1; minus strand). Cytogenetic location: 5p12.
Variant type: Deletion.
Coding change: c.1485del on transcript NM_021072.4 (MANE Select); coding-DNA position 1485, one base deleted (G; older notation c.1485delG).
Protein change: p.Gln497fs; shifts the reading frame from glutamine 497.
Molecular consequence: frameshift variant.
Genome position (GRCh38, 1-based): chr5:45,303,732, C deleted on the plus strand (G on the coding strand, the reverse complement: HCN1 is on the minus strand). VCF-style (leftmost placement, unchanged base first): chr5-45303731-AC-A. GRCh37 (hg19) VCF-style: chr5-45303833-AC-A.
Other names: short protein forms Q497fs.
Identifiers: ClinVar variation 2430459 (VCV002430459.1), dbSNP rs2478271848, ClinGen allele CA2580073307.

ClinVar aggregate classification (germline): Uncertain significance (1 of 4 stars; one submission).

Submission:

GeneDx
Classification: Uncertain significance. Last evaluated: 2022-08-22. Review status: criteria provided, single submitter. Criteria: GeneDx Variant Classification Process June 2021. Collection method: clinical testing. Allele origin: germline. Affected: yes.
Comment: Frameshift variant predicted to result in protein truncation or nonsense mediated decay in a gene or region of a gene for which loss of function is not a well-established mechanism of disease; Not observed at significant frequency in large population cohorts (gnomAD); Has not been previously published as pathogenic or benign to our knowledge